The following is an entry in ClinVar:

ClinVar aggregate classification (germline): Uncertain significance (1 of 4 stars; one submission).

Conditions:
CREBBP-related disorder. Also called: CREBBP-related condition; CREBBP-related disorders.

Allele frequency attached by ClinVar (database versions not stated): gnomAD 0.00001.
gnomAD v4.1: 1 of 1,613,830 alleles (0.000062%); highest among the groups gnomAD compares: East Asian, 0.0022%; no homozygotes.

Submission:

PreventionGenetics, part of Exact Sciences
Classification: Uncertain significance for CREBBP-related condition. Last evaluated: 2023-09-29. Review status: criteria provided, single submitter. Criteria: ACMG Guidelines, 2015. Collection method: clinical testing. Allele origin: germline.
Comment: The CREBBP c.2818G>A variant is predicted to result in the amino acid substitution p.Ala940Thr. To our knowledge, this variant has not been reported in the literature. This variant is reported in 0.064% of alleles in individuals of East Asian descent in gnomAD. Although we suspect that this variant may be benign, at this time, the clinical significance of this variant is uncertain due to the absence of conclusive functional and genetic evidence.

NM_004380.3(CREBBP):c.2818G>A (p.Ala940Thr)

Gene: CREBBP (CREB binding lysine acetyltransferase; minus strand). Cytogenetic location: 16p13.3.
Variant type: single nucleotide variant.
Coding change: c.2818G>A on transcript NM_004380.3 (MANE Select); coding-DNA position 2818, G replaced by A.
Protein change: p.Ala940Thr; replaces alanine 940 with threonine.
Molecular consequence: missense variant.
Genome position (GRCh38, 1-based): chr16:3,770,632, C>T on the plus strand (G>A on the coding strand, the complement: CREBBP is on the minus strand). VCF-style: chr16-3770632-C-T. GRCh37 (hg19) VCF-style: chr16-3820633-C-T.
Other names: c.2704G>A, p.Ala902Thr (NM_001079846.1); short protein forms A902T, A940T.
Identifiers: ClinVar variation 2628830 (VCV002628830.1), dbSNP rs1286524799, ClinGen allele CA394550642.